The following is an entry in ClinVar:

ClinVar aggregate classification (germline): Uncertain significance (1 of 4 stars; one submission).

Submission:

GeneDx
Classification: Uncertain significance. Last evaluated: 2025-07-15. Review status: criteria provided, single submitter. Criteria: GeneDx Variant Classification Process June 2021. Collection method: clinical testing. Allele origin: germline. Affected: yes.
Comment: Not observed at significant frequency in large population cohorts (gnomAD); In silico analysis supports that this missense variant has a deleterious effect on protein structure/function; Has not been previously published as pathogenic or benign to our knowledge

NM_001205293.3(CACNA1E):c.5228A>C (p.Glu1743Ala)

Gene: CACNA1E (calcium voltage-gated channel subunit alpha1 E; plus strand). Cytogenetic location: 1q25.3.
Variant type: single nucleotide variant.
Coding change: c.5228A>C on transcript NM_001205293.3 (MANE Select); coding-DNA position 5228, A replaced by C.
Protein change: p.Glu1743Ala; replaces glutamic acid 1743 with alanine.
Molecular consequence: missense variant.
Genome position (GRCh38, 1-based): chr1:181,776,189, A>C. VCF-style: chr1-181776189-A-C. GRCh37 (hg19) VCF-style: chr1-181745325-A-C.
Other names: c.5171A>C, p.Glu1724Ala (NM_001205294.2); c.5228A>C, p.Glu1743Ala (NM_000721.4); short protein forms E1724A, E1743A.
Identifiers: ClinVar variation 4686259 (VCV004686259.1).